The following is an entry in ClinVar:

ClinVar aggregate classification (germline): Conflicting classifications of pathogenicity. Review status: criteria provided, conflicting classifications (1 of 4 stars). 7 submissions from 7 submitters: Uncertain significance (5); Likely benign (2). Last evaluated 2026-04-14.

Conditions:
Left ventricular noncompaction 10 (LVNC10). Identifiers: Orphanet 154, Orphanet 54260, MedGen C3715165, MONDO:0014163, OMIM 615396.
Hypertrophic cardiomyopathy 4. Also called: Familial hypertrophic cardiomyopathy 4. Identifiers: MedGen C1861862, MONDO:0007268, OMIM 115197.
MYBPC3-related disorder. Also called: MYBPC3-related condition; MYBPC3-related disease; MYBPC3-related disorders.
Hypertrophic cardiomyopathy. Also called: HYPERTROPHIC MYOCARDIOPATHY. Identifiers: Orphanet 217569, MedGen C0007194, MeSH D002312, MONDO:0005045, HP:0001639.
Cardiovascular phenotype. Identifiers: MedGen CN230736.
Cardiomyopathy (CMYO). Also called: Cardiomyopathies. Identifiers: Orphanet 167848, MedGen C0878544, MONDO:0004994, HP:0001638. Inheritance: Various modes of inheritance.

Allele frequency attached by ClinVar (database versions not stated): TOPMed 0.00002; gnomAD 0.00003.
gnomAD v4.1: 19 of 1,590,360 alleles (0.0012%); highest among the groups gnomAD compares: African/African-American, 0.023%; no homozygotes.

Submissions (7):

PreventionGenetics, part of Exact Sciences
Classification: Uncertain significance for MYBPC3-related condition. Last evaluated: 2026-04-14. Review status: criteria provided, single submitter. Criteria: ACMG Guidelines, 2015. Collection method: clinical testing. Allele origin: germline.
Comment: The MYBPC3 c.3229G>T variant is predicted to result in the amino acid substitution p.Ala1077Ser. To our knowledge, this variant has not been reported in the literature. This variant is reported in 0.014% of alleles in individuals of African descent in gnomAD. At this time, the clinical significance of this variant is uncertain due to the absence of conclusive functional and genetic evidence.

Labcorp Genetics (formerly Invitae), Labcorp
Classification: Uncertain significance for Hypertrophic cardiomyopathy. Last evaluated: 2024-09-05. Review status: criteria provided, single submitter. Criteria: Invitae Variant Classification Sherloc (09022015). Collection method: clinical testing. Allele origin: germline.
Comment: This sequence change replaces alanine, which is neutral and non-polar, with serine, which is neutral and polar, at codon 1077 of the MYBPC3 protein (p.Ala1077Ser). The frequency data for this variant in the population databases is considered unreliable, as metrics indicate poor data quality at this position in the gnomAD database. This variant has not been reported in the literature in individuals affected with MYBPC3-related conditions. ClinVar contains an entry for this variant (Variation ID: 520379). An algorithm developed to predict the effect of missense changes on protein structure and function (PolyPhen-2) suggests that this variant¬†is likely to be tolerated. In summary, the available evidence is currently insufficient to determine the role of this variant in disease. Therefore, it has been classified as a Variant of Uncertain Significance.

Ambry Genetics
Classification: Likely benign for Cardiovascular phenotype. Last evaluated: 2024-06-25. Review status: criteria provided, single submitter. Criteria: Ambry Variant Classification Scheme 2023. Collection method: clinical testing. Allele origin: germline.

All of Us Research Program, National Institutes of Health
Classification: Uncertain significance for Hypertrophic cardiomyopathy. Last evaluated: 2024-05-09. Review status: criteria provided, single submitter. Criteria: ACMG Guidelines, 2015. Collection method: clinical testing. Allele origin: germline. Inheritance: Autosomal dominant inheritance. Observed: 2 variant alleles, 2 heterozygotes.
Comment: This missense variant replaces alanine with serine at codon 1077 of the MYBPC3 protein. Computational prediction suggests that this variant may not impact protein structure and function (internally defined REVEL score threshold <= 0.5, PMID: 27666373). To our knowledge, functional studies have not been reported for this variant. This variant has not been reported in individuals affected with cardiovascular disorders in the literature. This variant has been identified in 6/240878 chromosomes in the general population by the Genome Aggregation Database (gnomAD). The available evidence is insufficient to determine the role of this variant in disease conclusively. Therefore, this variant is classified as a Variant of Uncertain Significance.

This study involves interpretation of variants in research participants for the purpose of population health screening. Participant phenotype was not available at the time of variant classification. Additional details can be found in publication PMID: 35346344, PMCID: PMC8962531

Blueprint Genetics
Classification: Likely benign. Last evaluated: 2022-07-08. Review status: criteria provided, single submitter. Criteria: ACMG Guidelines, 2015. Collection method: clinical testing. Allele origin: germline.

Fulgent Genetics
Classification: Uncertain significance for Hypertrophic cardiomyopathy 4; Left ventricular noncompaction 10. Last evaluated: 2021-07-31. Review status: criteria provided, single submitter. Criteria: ACMG Guidelines, 2015. Collection method: clinical testing. Allele origin: unknown.

CHEO Genetics Diagnostic Laboratory, Children's Hospital of Eastern Ontario
Classification: Uncertain significance for Cardiomyopathy. Last evaluated: 2016-03-03. Review status: criteria provided, single submitter. Criteria: ACMG Guidelines, 2015. Collection method: clinical testing. Allele origin: germline. Study: Canadian Open Genetics Repository.

NM_000256.3(MYBPC3):c.3229G>T (p.Ala1077Ser)

Gene: MYBPC3 (myosin binding protein C3; minus strand). Cytogenetic location: 11p11.2.
Variant type: single nucleotide variant.
Coding change: c.3229G>T on transcript NM_000256.3 (MANE Select); coding-DNA position 3229, G replaced by T.
Protein change: p.Ala1077Ser; replaces alanine 1077 with serine.
Molecular consequence: missense variant.
Genome position (GRCh38, 1-based): chr11:47,333,295, C>A on the plus strand (G>T on the coding strand, the complement: MYBPC3 is on the minus strand). VCF-style: chr11-47333295-C-A. GRCh37 (hg19) VCF-style: chr11-47354846-C-A.
Other names: c.3229G>T, p.Ala1077Ser (LRG_386t1); short protein forms A1077S.
Identifiers: ClinVar variation 520379 (VCV000520379.17), dbSNP rs397516009, ClinGen allele CA079238.
Genomic context (GRCh38, chr11:47,333,295, plus strand): 5'-GCTCCGTGTTGCCGACATCCTGGGGTGGCTTCCACTCCAGAGCCACATTAAGACCCCAGG[C>A]GTCAGTCACCCGGAGATCCTGGGGAGGACTTGGCTTGTCTGCGGGAGACAGACCCAGTTG-3'
Protein context (NP_000247.2, residues 1067-1087): SPPQDLRVTD[Ala1077Ser]WGLNVALEWK